The following is an entry in ClinVar:

ClinVar aggregate classification (germline): Uncertain significance. Review status: criteria provided, single submitter (1 of 4 stars). 2 submissions from 2 submitters: Uncertain significance (1). 1 of the submissions does not count toward it. Last evaluated 2022-04-10.

Conditions:
BBS2-related disorder. Also called: BBS2-related condition; BBS2-related disorders. Identifiers: MedGen CN239228.
Bardet-Biedl syndrome (BBS). Identifiers: Orphanet 110, MedGen C0752166, MONDO:0015229.

Allele frequency attached by ClinVar (database versions not stated): ExAC 0.00002.
gnomAD v4.1: 2 of 1,614,134 alleles (0.00012%); highest among the groups gnomAD compares: Admixed American, 0.0033%; no homozygotes.

Submissions (2):

Labcorp Genetics (formerly Invitae), Labcorp
Classification: Uncertain significance for Bardet-Biedl syndrome. Last evaluated: 2022-04-10. Review status: criteria provided, single submitter. Criteria: Invitae Variant Classification Sherloc (09022015). Collection method: clinical testing. Allele origin: germline.
Comment: In summary, the available evidence is currently insufficient to determine the role of this variant in disease. Therefore, it has been classified as a Variant of Uncertain Significance. This sequence change replaces leucine, which is neutral and non-polar, with valine, which is neutral and non-polar, at codon 437 of the BBS2 protein (p.Leu437Val). This variant is present in population databases (rs758529129, gnomAD 0.006%). This variant has not been reported in the literature in individuals affected with BBS2-related conditions. Algorithms developed to predict the effect of missense changes on protein structure and function output the following: SIFT: "Tolerated"; PolyPhen-2: "Benign"; Align-GVGD: "Class C0". The valine amino acid residue is found in multiple mammalian species, which suggests that this missense change does not adversely affect protein function.

PreventionGenetics, part of Exact Sciences
Classification: Uncertain significance for BBS2-related condition. Last evaluated: 2024-06-03. Review status: no assertion criteria provided. Collection method: clinical testing. Allele origin: germline. Not counted in ClinVar's aggregate classification.
Comment: The BBS2 c.1309C>G variant is predicted to result in the amino acid substitution p.Leu437Val. To our knowledge, this variant has not been reported in the literature. This variant is reported in 0.0058% of alleles in individuals of Latino descent in gnomAD. At this time, the clinical significance of this variant is uncertain due to the absence of conclusive functional and genetic evidence.

NM_031885.5(BBS2):c.1309C>G (p.Leu437Val)

Gene: BBS2 (Bardet-Biedl syndrome 2; minus strand). Cytogenetic location: 16q13.
Variant type: single nucleotide variant.
Coding change: c.1309C>G on transcript NM_031885.5 (MANE Select); coding-DNA position 1309, C replaced by G.
Protein change: p.Leu437Val; replaces leucine 437 with valine.
Molecular consequence: missense variant. On other transcripts: non-coding transcript variant (2).
Genome position (GRCh38, 1-based): chr16:56,500,942, G>C on the plus strand (C>G on the coding strand, the complement: BBS2 is on the minus strand). VCF-style: chr16-56500942-G-C. GRCh37 (hg19) VCF-style: chr16-56534854-G-C.
Other names: c.1309C>G (NM_031885.3); c.1309C>G, p.Leu437Val (NM_001377456.1); short protein forms L437V.
Identifiers: ClinVar variation 2193706 (VCV002193706.4), dbSNP rs758529129, ClinGen allele CA8065767.